The following is an entry in ClinVar:

NM_001939.3(DRP2):c.588T>A (p.Asn196Lys)

Gene: DRP2 (dystrophin related protein 2; plus strand). Cytogenetic location: Xq22.1.
Variant type: single nucleotide variant.
Coding change: c.588T>A on transcript NM_001939.3 (MANE Select); coding-DNA position 588, T replaced by A.
Protein change: p.Asn196Lys; replaces asparagine 196 with lysine.
Molecular consequence: missense variant.
Genome position (GRCh38, 1-based): chrX:101,241,696, T>A. VCF-style: chrX-101241696-T-A. GRCh37 (hg19) VCF-style: chrX-100496685-T-A.
Other names: c.354T>A, p.Asn118Lys (NM_001171184.2); short protein forms N196K, N118K.
Identifiers: ClinVar variation 3681661 (VCV003681661.2).

ClinVar aggregate classification (germline): Uncertain significance (1 of 4 stars; one submission).

gnomAD v4.1: 18 of 1,211,474 alleles (0.0015%); highest among the groups gnomAD compares: Non-Finnish European, 0.00022%; no homozygotes.

Submission:

Labcorp Genetics (formerly Invitae), Labcorp
Classification: Uncertain significance. Last evaluated: 2024-05-12. Review status: criteria provided, single submitter. Criteria: Invitae Variant Classification Sherloc (09022015). Collection method: clinical testing. Allele origin: germline.
Comment: This sequence change replaces asparagine, which is neutral and polar, with lysine, which is basic and polar, at codon 196 of the DRP2 protein (p.Asn196Lys). This variant is present in population databases (rs772970067, gnomAD 0.02%). This variant has not been reported in the literature in individuals affected with DRP2-related conditions. Advanced modeling of protein sequence and biophysical properties (such as structural, functional, and spatial information, amino acid conservation, physicochemical variation, residue mobility, and thermodynamic stability) performed at Invitae indicates that this missense variant is not expected to disrupt DRP2 protein function with a negative predictive value of 80%. In summary, the available evidence is currently insufficient to determine the role of this variant in disease. Therefore, it has been classified as a Variant of Uncertain Significance.